The following is an entry in ClinVar:

ClinVar aggregate classification (germline): Uncertain significance (1 of 4 stars; one submission).

Submission:

Labcorp Genetics (formerly Invitae), Labcorp
Classification: Uncertain significance. Last evaluated: 2024-02-12. Review status: criteria provided, single submitter. Criteria: Invitae Variant Classification Sherloc (09022015). Collection method: clinical testing. Allele origin: germline.
Comment: This sequence change creates a premature translational stop signal (p.Leu977Serfs*17) in the SMARCA2 gene. It is expected to result in an absent or disrupted protein product. However, the current clinical and genetic evidence is not sufficient to establish whether loss-of-function variants in SMARCA2 cause disease. This variant is not present in population databases (gnomAD no frequency). This variant has not been reported in the literature in individuals affected with SMARCA2-related conditions. In summary, the available evidence is currently insufficient to determine the role of this variant in disease. Therefore, it has been classified as a Variant of Uncertain Significance.

NM_003070.5(SMARCA2):c.2928dup (p.Leu977fs)

Gene: SMARCA2 (SWI/SNF related BAF chromatin remodeling complex subunit ATPase 2; plus strand). Cytogenetic location: 9p24.3.
Variant type: Duplication.
Coding change: c.2928dup on transcript NM_003070.5 (MANE Select); coding-DNA position 2928, one base duplicated (T; older notation c.2928dupT).
Protein change: p.Leu977fs; shifts the reading frame from leucine 977.
Molecular consequence: frameshift variant.
Genome position (GRCh38, 1-based): chr9:2,096,701, T duplicated; the last of 2 consecutive T bases (chr9:2,096,700-2,096,701); duplicating either gives the same sequence. VCF-style (leftmost placement, unchanged base first): chr9-2096699-A-AT. GRCh37 (hg19) VCF-style: chr9-2096699-A-AT.
Other names: c.2928dup, p.Leu977fs (NM_001289396.2, NM_139045.4); c.2754dup, p.Leu919fs (NM_001289397.2); short protein forms L919fs, L977fs.
Identifiers: ClinVar variation 3640293 (VCV003640293.2).